The following is an entry in ClinVar:

NM_004371.4(COPA):c.3671G>T (p.Arg1224Leu)

Gene: COPA (coat protein complex I subunit alpha; minus strand). Cytogenetic location: 1q23.2.
Variant type: single nucleotide variant.
Coding change: c.3671G>T on transcript NM_004371.4 (MANE Select); coding-DNA position 3671, G replaced by T.
Protein change: p.Arg1224Leu; replaces arginine 1224 with leucine.
Molecular consequence: missense variant.
Genome position (GRCh38, 1-based): chr1:160,290,161, C>A on the plus strand (G>T on the coding strand, the complement: COPA is on the minus strand). VCF-style: chr1-160290161-C-A. GRCh37 (hg19) VCF-style: chr1-160259951-C-A.
Other names: c.3698G>T, p.Arg1233Leu (NM_001098398.2); short protein forms R1224L, R1233L.
Identifiers: ClinVar variation 4734151 (VCV004734151.1).
Genomic context (GRCh38, chr1:160,290,161, plus strand): 5'-AGACACATTCTCTGGGGGGAACATATGGTGACTGACCCATGCACACAAAGGGGGCCTTAG[C>A]GAAACTGCAGAGGACTGATCCTTAAACCAATCACATCTTTGCCAATCTCTGTCACCTGTG-3'
Protein context (NP_004362.2, residues 1214-1224): IGLRISPLQF[Arg1224Leu]

ClinVar aggregate classification (germline): Uncertain significance (1 of 4 stars; one submission).

Conditions:
Autoimmune interstitial lung disease-arthritis syndrome. Also called: Autoinflammation and autoimmunity, systemic, with immune dysregulation. Identifiers: Orphanet 444092, MedGen C5975714, MONDO:0014629.

gnomAD v4.1: 1 of 1,614,012 alleles (0.000062%); highest among the groups gnomAD compares: Non-Finnish European, 0.000085%; no homozygotes.

Submission:

Labcorp Genetics (formerly Invitae), Labcorp
Classification: Uncertain significance for Autoimmune interstitial lung disease-arthritis syndrome. Last evaluated: 2025-12-24. Review status: criteria provided, single submitter. Criteria: Invitae Variant Classification Sherloc (09022015). Collection method: clinical testing. Allele origin: germline.
Comment: This sequence change replaces arginine, which is basic and polar, with leucine, which is neutral and non-polar, at codon 1224 of the COPA protein (p.Arg1224Leu). This variant is not present in population databases (gnomAD no frequency). This variant has not been reported in the literature in individuals affected with COPA-related conditions. An algorithm developed to predict the effect of missense changes on protein structure and function (PolyPhen-2) suggests that this variant is likely to be disruptive. In summary, the available evidence is currently insufficient to determine the role of this variant in disease. Therefore, it has been classified as a Variant of Uncertain Significance.